The following is an entry in ClinVar:

ClinVar aggregate classification (germline): Uncertain significance. Review status: criteria provided, multiple submitters, no conflicts (2 of 4 stars). 2 submissions from 2 submitters: Uncertain significance (2). Last evaluated 2025-10-13.

Conditions:
Hereditary cancer-predisposing syndrome. Also called: Hereditary Cancer Syndrome; Hereditary neoplastic syndrome; Neoplastic Syndromes, Hereditary; Tumor predisposition. Identifiers: Orphanet 140162, MedGen C0027672, MeSH D009386, MONDO:0015356.
Oligodontia-cancer predisposition syndrome. Also called: TOOTH AGENESIS-COLORECTAL CANCER SYNDROME. Identifiers: Orphanet 300576, MedGen C1837750, MONDO:0012075, OMIM 608615. Disease mechanism: loss of function.

Submissions (2):

Labcorp Genetics (formerly Invitae), Labcorp
Classification: Uncertain significance for Oligodontia-cancer predisposition syndrome. Last evaluated: 2025-10-13. Review status: criteria provided, single submitter. Criteria: Invitae Variant Classification Sherloc (09022015). Collection method: clinical testing. Allele origin: germline.
Comment: This sequence change replaces tyrosine, which is neutral and polar, with asparagine, which is neutral and polar, at codon 209 of the AXIN2 protein (p.Tyr209Asn). This variant is not present in population databases (gnomAD no frequency). This variant has not been reported in the literature in individuals affected with AXIN2-related conditions. ClinVar contains an entry for this variant (Variation ID: 1752496). Invitae Evidence Modeling of protein sequence and biophysical properties (such as structural, functional, and spatial information, amino acid conservation, physicochemical variation, residue mobility, and thermodynamic stability) indicates that this missense variant is not expected to disrupt AXIN2 protein function with a negative predictive value of 80%. In summary, the available evidence is currently insufficient to determine the role of this variant in disease. Therefore, it has been classified as a Variant of Uncertain Significance.

Ambry Genetics
Classification: Uncertain significance for Hereditary cancer-predisposing syndrome. Last evaluated: 2020-01-09. Review status: criteria provided, single submitter. Criteria: Ambry Variant Classification Scheme 2023. Collection method: clinical testing. Allele origin: germline.
Comment: The p.Y209N variant (also known as c.625T>A), located in coding exon 1 of the AXIN2 gene, results from a T to A substitution at nucleotide position 625. The tyrosine at codon 209 is replaced by asparagine, an amino acid with dissimilar properties. This amino acid position is well conserved in available vertebrate species. In addition, the in silico prediction for this alteration is inconclusive. Since supporting evidence is limited at this time, the clinical significance of this alteration remains unclear.

NM_004655.4(AXIN2):c.625T>A (p.Tyr209Asn)

Gene: AXIN2 (axin 2; minus strand). Cytogenetic location: 17q24.1.
Variant type: single nucleotide variant.
Coding change: c.625T>A on transcript NM_004655.4 (MANE Select); coding-DNA position 625, T replaced by A.
Protein change: p.Tyr209Asn; replaces tyrosine 209 with asparagine.
Molecular consequence: missense variant.
Genome position (GRCh38, 1-based): chr17:65,557,996, A>T on the plus strand (T>A on the coding strand, the complement: AXIN2 is on the minus strand). VCF-style: chr17-65557996-A-T. GRCh37 (hg19) VCF-style: chr17-63554114-A-T.
Other names: c.625T>A, p.Tyr209Asn (NM_001363813.1); short protein forms Y209N.
Identifiers: ClinVar variation 1752496 (VCV001752496.3), dbSNP rs2544248825, ClinGen allele CA400680633.